The following is an entry in ClinVar:

NM_002471.4(MYH6):c.530C>G (p.Thr177Arg)

Genes: MYH6 (myosin heavy chain 6; minus strand), LOC114827851 (VISTA enhancer hs2155; plus strand). Cytogenetic location: 14q11.2.
Variant type: single nucleotide variant.
Coding change: c.530C>G on transcript NM_002471.4 (MANE Select); coding-DNA position 530, C replaced by G.
Protein change: p.Thr177Arg; replaces threonine 177 with arginine.
Molecular consequence: missense variant.
Genome position (GRCh38, 1-based): chr14:23,405,100, G>C on the plus strand (C>G on the coding strand, the complement: MYH6 is on the minus strand). VCF-style: chr14-23405100-G-C. GRCh37 (hg19) VCF-style: chr14-23874309-G-C.
Other names: short protein forms T177R.
Identifiers: ClinVar variation 3363650 (VCV003363650.1).

ClinVar aggregate classification (germline): Uncertain significance (1 of 4 stars; one submission).

Submission:

GeneDx
Classification: Uncertain significance. Last evaluated: 2023-11-12. Review status: criteria provided, single submitter. Criteria: GeneDx Variant Classification Process June 2021. Collection method: clinical testing. Allele origin: germline. Affected: yes.
Comment: Not observed at significant frequency in large population cohorts (gnomAD); In silico analysis supports that this missense variant has a deleterious effect on protein structure/function; Has not been previously published as pathogenic or benign to our knowledge